The following is an entry in ClinVar:

NM_022168.4(IFIH1):c.510G>C (p.Arg170Ser)

Gene: IFIH1 (interferon induced with helicase C domain 1; minus strand). Cytogenetic location: 2q24.2.
Variant type: single nucleotide variant.
Coding change: c.510G>C on transcript NM_022168.4 (MANE Select); coding-DNA position 510, G replaced by C.
Protein change: p.Arg170Ser; replaces arginine 170 with serine.
Molecular consequence: missense variant.
Genome position (GRCh38, 1-based): chr2:162,310,877, C>G on the plus strand (G>C on the coding strand, the complement: IFIH1 is on the minus strand). VCF-style: chr2-162310877-C-G. GRCh37 (hg19) VCF-style: chr2-163167387-C-G.
Other names: short protein forms R170S.
Identifiers: ClinVar variation 1362960 (VCV001362960.8), dbSNP rs2105230566, ClinGen allele CA349011533.

ClinVar aggregate classification (germline): Uncertain significance (1 of 4 stars; one submission).

Conditions:
Aicardi-Goutieres syndrome 7 (AGS7). Identifiers: Orphanet 51, MedGen C3888244, MONDO:0014367, OMIM 615846.
Singleton-Merten syndrome 1 (SGMRT1). Also called: Widened medullary cavities of bone, aortic calcification, abnormal dentition, and muscular weakness; Syndrome of widened medullary cavities of the metacarpals and phalanges, aortic calcification and abnormal dentition. Identifiers: Orphanet 85191, MedGen C4225427, MONDO:0024535, OMIM 182250.

Submission:

Labcorp Genetics (formerly Invitae), Labcorp
Classification: Uncertain significance for Aicardi-Goutieres syndrome 7; Singleton-Merten syndrome 1. Last evaluated: 2023-08-30. Review status: criteria provided, single submitter. Criteria: Invitae Variant Classification Sherloc (09022015). Collection method: clinical testing. Allele origin: germline.
Comment: This variant is not present in population databases (gnomAD no frequency). This sequence change replaces arginine, which is basic and polar, with serine, which is neutral and polar, at codon 170 of the IFIH1 protein (p.Arg170Ser). This variant has not been reported in the literature in individuals affected with IFIH1-related conditions. ClinVar contains an entry for this variant (Variation ID: 1362960). Advanced modeling of protein sequence and biophysical properties (such as structural, functional, and spatial information, amino acid conservation, physicochemical variation, residue mobility, and thermodynamic stability) has been performed at Invitae for this missense variant, however the output from this modeling did not meet the statistical confidence thresholds required to predict the impact of this variant on IFIH1 protein function. In summary, the available evidence is currently insufficient to determine the role of this variant in disease. Therefore, it has been classified as a Variant of Uncertain Significance.